The following is an entry in ClinVar:

ClinVar aggregate classification (germline): Benign/Likely benign. Review status: criteria provided, multiple submitters, no conflicts (2 of 4 stars). 6 submissions from 6 submitters: Benign (3); Likely benign (3). Last evaluated 2026-02-02.

Conditions:
Holoprosencephaly 11 (HPE11). Identifiers: Orphanet 2162, MedGen C3280215, MONDO:0013642, OMIM 614226.

Allele frequency attached by ClinVar (database versions not stated): 1000 Genomes Project 30x 0.00484; 1000 Genomes Project 0.00519; TOPMed 0.01512; gnomAD 0.01692 and 0.01761; gnomAD exomes 0.01810 and 0.02306; ExAC 0.01863; ESP Exome Variant Server 0.02023.
gnomAD v4.1: 36,103 of 1,614,058 alleles (2.2%); highest among the groups gnomAD compares: Non-Finnish European, 2.6%; 468 homozygotes.

Submissions (6):

Labcorp Genetics (formerly Invitae), Labcorp
Classification: Benign for Holoprosencephaly 11. Last evaluated: 2026-02-02. Review status: criteria provided, single submitter. Criteria: Invitae Variant Classification Sherloc (09022015). Collection method: clinical testing. Allele origin: germline.

Blueprint Genetics
Classification: Likely benign. Last evaluated: 2024-11-27. Review status: criteria provided, single submitter. Criteria: ACMG Guidelines, 2015. Collection method: clinical testing. Allele origin: germline.

GeneDx
Classification: Likely benign. Last evaluated: 2018-11-28. Review status: criteria provided, single submitter. Criteria: GeneDx Variant Classification Process June 2021. Collection method: clinical testing. Allele origin: germline. Affected: yes.

Illumina Laboratory Services, Illumina
Classification: Benign for Holoprosencephaly 11. Last evaluated: 2018-01-13. Review status: criteria provided, single submitter. Criteria: ICSL Variant Classification Criteria 13 December 2019. Collection method: clinical testing. Allele origin: germline.
Comment: This variant was observed in the ICSL laboratory as part of a predisposition screen in an ostensibly healthy population. It had not been previously curated by ICSL or reported in the Human Gene Mutation Database (HGMD: prior to June 1st, 2018), and was therefore a candidate for classification through an automated scoring system. Utilizing variant allele frequency, disease prevalence and penetrance estimates, and inheritance mode, an automated score was calculated to assess if this variant is too frequent to cause the disease. Based on the score and internal cut-off values, a variant classified as benign is not then subjected to further curation. The score for this variant resulted in a classification of benign for this disease.

Breakthrough Genomics
Classification: Likely benign. Review status: criteria provided, single submitter. Criteria: ACMG Guidelines, 2015. Collection method: not provided. Allele origin: germline. Inheritance: Autosomal dominant inheritance. Affected: yes.

PreventionGenetics, part of Exact Sciences
Classification: Benign. Review status: criteria provided, single submitter. Criteria: ACMG Guidelines, 2015. Collection method: clinical testing. Allele origin: germline.

NM_001378964.1(CDON):c.1671G>A (p.Lys557=)

Gene: CDON (cell adhesion associated, oncogene regulated; minus strand). Cytogenetic location: 11q24.2.
Variant type: single nucleotide variant.
Coding change: c.1671G>A on transcript NM_001378964.1 (MANE Select); coding-DNA position 1671, G replaced by A.
Protein change: p.Lys557=; no amino-acid change (lysine 557 retained).
Molecular consequence: synonymous variant.
Genome position (GRCh38, 1-based): chr11:126,005,939, C>T on the plus strand (G>A on the coding strand, the complement: CDON is on the minus strand). VCF-style: chr11-126005939-C-T. GRCh37 (hg19) VCF-style: chr11-125875834-C-T.
Other names: c.1671G>A, p.Lys557= (NM_001243597.3, NM_016952.6).
Identifiers: ClinVar variation 260783 (VCV000260783.18), dbSNP rs35884952, ClinGen allele CA6351975.